The following is an entry in ClinVar:

NM_001130009.3(GEN1):c.2641C>T (p.His881Tyr)

Gene: GEN1 (GEN1 Holliday junction 5' flap endonuclease; plus strand). Cytogenetic location: 2p24.2.
Variant type: single nucleotide variant.
Coding change: c.2641C>T on transcript NM_001130009.3 (MANE Select); coding-DNA position 2641, C replaced by T.
Protein change: p.His881Tyr; replaces histidine 881 with tyrosine.
Molecular consequence: missense variant.
Genome position (GRCh38, 1-based): chr2:17,781,853, C>T. VCF-style: chr2-17781853-C-T. GRCh37 (hg19) VCF-style: chr2-17963120-C-T.
Other names: c.2641C>T, p.His881Tyr (NM_182625.5); short protein forms H881Y.
Identifiers: ClinVar variation 4029148 (VCV004029148.1).
Genomic context (GRCh38, chr2:17,781,853, plus strand): 5'-GAAAATGAAGAAAGCTGTTTCCCAGATTCAACAAAAAGTTCTCTGAGTTCTCTACAATGT[C>T]ATAAGAAAGAAAACAACTCTGGTACTTGTTTGGATAGCCCTCTTCCTTTACGCCAGAGAT-3'
Protein context (NP_001123481.3, residues 871-891): TKSSLSSLQC[His881Tyr]KKENNSGTCL

ClinVar aggregate classification (germline): Uncertain significance (1 of 4 stars; one submission).

gnomAD v4.1: 1 of 1,543,062 alleles (0.000065%); highest among the groups gnomAD compares: South Asian, 0.0011%; no homozygotes.

Submission:

Ambry Genetics
Classification: Uncertain significance. Last evaluated: 2025-03-15. Review status: criteria provided, single submitter. Criteria: Ambry Variant Classification Scheme 2023. Collection method: clinical testing. Allele origin: germline.
Comment: The p.H881Y variant (also known as c.2641C>T), located in coding exon 13 of the GEN1 gene, results from a C to T substitution at nucleotide position 2641. The histidine at codon 881 is replaced by tyrosine, an amino acid with similar properties. This amino acid position is conserved. In addition, this alteration is predicted to be tolerated by in silico analysis. Based on the available evidence, the clinical significance of this variant remains unclear.